The following is an entry in ClinVar:

NM_003242.6(TGFBR2):c.1208G>T (p.Arg403Leu)

Gene: TGFBR2 (transforming growth factor beta receptor 2; plus strand). Cytogenetic location: 3p24.1.
Variant type: single nucleotide variant.
Coding change: c.1208G>T on transcript NM_003242.6 (MANE Select); coding-DNA position 1208, G replaced by T.
Protein change: p.Arg403Leu; replaces arginine 403 with leucine.
Molecular consequence: missense variant. On other transcripts: intron variant (1).
Genome position (GRCh38, 1-based): chr3:30,672,391, G>T. VCF-style: chr3-30672391-G-T. GRCh37 (hg19) VCF-style: chr3-30713883-G-T.
Other names: c.1103G>T, p.Arg368Leu (NM_001407136.1, NM_001407132.1, NM_001407133.1 and 2 more transcripts); c.923G>T, p.Arg308Leu (NM_001407137.1); c.848G>T, p.Arg283Leu (NM_001407138.1); c.530-15996G>T (NM_001407139.1); c.1283G>T, p.Arg428Leu (NM_001024847.3); c.1391G>T, p.Arg464Leu (NM_001407126.1); c.1316G>T, p.Arg439Leu (NM_001407127.1); c.1235G>T, p.Arg412Leu (NM_001407128.1); and 2 more; short protein forms R283L, R308L, R368L, R403L, R404L, R412L, R428L, R439L.
Identifiers: ClinVar variation 3386070 (VCV003386070.1).
Genomic context (GRCh38, chr3:30,672,391, plus strand): 5'-CCAATATCCTCGTGAAGAACGACCTAACCTGCTGCCTGTGTGACTTTGGGCTTTCCCTGC[G>T]TCTGGACCCTACTCTGTCTGTGGATGACCTGGCTAACAGTGGGCAGGTAAGTTAGAGCTA-3'
Protein context (NP_003233.4, residues 393-413): CCLCDFGLSL[Arg403Leu]LDPTLSVDDL

ClinVar aggregate classification (germline): Uncertain significance (1 of 4 stars; one submission).

Conditions:
Loeys-Dietz syndrome 2 (LDS2). Also called: TGFBR2-Related Loeys-Dietz Syndrome; AORTIC ANEURYSM, FAMILIAL THORACIC 3; MARFAN SYNDROME, TYPE II; Marfan syndrome, type 2 (formerly); Marfan Syndrome type 2; Marfan like connective tissue disorder. Identifiers: Orphanet 284973, Orphanet 558, MedGen C2674574, MONDO:0012427, OMIM 610168.

gnomAD v4.1: 1 of 1,614,208 alleles (0.000062%); highest among the groups gnomAD compares: Non-Finnish European, 0.000085%; no homozygotes.

Submission:

All of Us Research Program, National Institutes of Health
Classification: Uncertain significance for Loeys-Dietz syndrome 2. Last evaluated: 2024-09-23. Review status: criteria provided, single submitter. Criteria: ACMG Guidelines, 2015. Collection method: clinical testing. Allele origin: germline. Inheritance: Autosomal dominant inheritance. Observed: 1 variant allele, 1 heterozygote.
Comment: This study involves interpretation of variants in research participants for the purpose of population health screening. Participant phenotype was not available at the time of variant classification. Additional details can be found in publication PMID: 35346344, PMCID: PMC8962531